The following is an entry in ClinVar:

NM_000096.4(CP):c.2662-12T>C

Gene: CP (ceruloplasmin; minus strand). Cytogenetic location: 3q24.
Variant type: single nucleotide variant.
Coding change: c.2662-12T>C on transcript NM_000096.4 (MANE Select); 12 bases into the intron before coding-DNA position 2662, T replaced by C.
Molecular consequence: intron variant.
Genome position (GRCh38, 1-based): chr3:149,178,643, A>G on the plus strand (T>C on the coding strand, the complement: CP is on the minus strand). VCF-style: chr3-149178643-A-G. GRCh37 (hg19) VCF-style: chr3-148896430-A-G.
Identifiers: ClinVar variation 194589 (VCV000194589.25), dbSNP rs16861582, ClinGen allele CA201247.

ClinVar aggregate classification (germline): Benign. Review status: criteria provided, multiple submitters, no conflicts (2 of 4 stars). 9 submissions from 9 submitters: Benign (6). 3 of the submissions do not count toward it. Last evaluated 2026-02-04.

Conditions:
Deficiency of ferroxidase (ACEP). Also called: Deficiency of ceruloplasmin; Ceruloplasmin deficiency; Familial apoceruloplasmin deficiency; Hereditary ceruloplasmin deficiency; Aceruloplasminemia; NEURODEGENERATION WITH BRAIN IRON ACCUMULATION 10. Identifiers: Orphanet 48818, MedGen C0878682, MONDO:0011426, OMIM 604290, HP:0025498.

Allele frequency attached by ClinVar (database versions not stated): gnomAD exomes 0.29088 and 0.29466; TOPMed 0.32653; ESP Exome Variant Server 0.32659; gnomAD 0.33090 and 0.33387; ExAC 0.33297; 1000 Genomes Project 30x 0.34057; 1000 Genomes Project 0.34225.
gnomAD v4.1: 463,563 of 1,573,888 alleles (29%); highest among the groups gnomAD compares: African/African-American, 44%; 70,259 homozygotes.

Submissions (9):

Labcorp Genetics (formerly Invitae), Labcorp
Classification: Benign for Deficiency of ferroxidase. Last evaluated: 2026-02-04. Review status: criteria provided, single submitter. Criteria: Invitae Variant Classification Sherloc (09022015). Collection method: clinical testing. Allele origin: germline.

Blueprint Genetics
Classification: Benign. Last evaluated: 2024-11-26. Review status: criteria provided, single submitter. Criteria: ACMG Guidelines, 2015. Collection method: clinical testing. Allele origin: germline.

GeneDx
Classification: Benign. Last evaluated: 2018-07-05. Review status: criteria provided, single submitter. Criteria: GeneDx Variant Classification Process June 2021. Collection method: clinical testing. Allele origin: germline. Affected: yes.

Illumina Laboratory Services, Illumina
Classification: Benign for Deficiency of ferroxidase. Last evaluated: 2018-01-12. Review status: criteria provided, single submitter. Criteria: ICSL Variant Classification Criteria 13 December 2019. Collection method: clinical testing. Allele origin: germline.
Comment: This variant was observed in the ICSL laboratory as part of a predisposition screen in an ostensibly healthy population. It had not been previously curated by ICSL or reported in the Human Gene Mutation Database (HGMD: prior to June 1st, 2018), and was therefore a candidate for classification through an automated scoring system. Utilizing variant allele frequency, disease prevalence and penetrance estimates, and inheritance mode, an automated score was calculated to assess if this variant is too frequent to cause the disease. Based on the score and internal cut-off values, a variant classified as benign is not then subjected to further curation. The score for this variant resulted in a classification of benign for this disease.

Eurofins Ntd Llc (ga)
Classification: Benign. Last evaluated: 2015-05-21. Review status: criteria provided, single submitter. Criteria: EGL Classification Definitions 2015. Collection method: clinical testing. Allele origin: germline. Observed: 9 variant alleles, 6 heterozygotes, 3 homozygotes.

Breakthrough Genomics
Classification: Benign. Review status: criteria provided, single submitter. Criteria: ACMG Guidelines, 2015. Collection method: not provided. Allele origin: germline. Inheritance: Autosomal recessive inheritance. Affected: yes.

Clinical Genetics DNA and cytogenetics Diagnostics Lab, Erasmus MC, Erasmus Medical Center
Classification: Benign. Review status: no assertion criteria provided. Collection method: clinical testing. Allele origin: germline. Affected: yes. Study: VKGL Data-share Consensus. Not counted in ClinVar's aggregate classification.

Genome Diagnostics Laboratory, Amsterdam University Medical Center
Classification: Benign. Review status: no assertion criteria provided. Collection method: clinical testing. Allele origin: germline. Affected: yes. Study: VKGL Data-share Consensus. Not counted in ClinVar's aggregate classification.

Joint Genome Diagnostic Labs from Nijmegen and Maastricht, Radboudumc and MUMC+
Classification: Benign. Review status: no assertion criteria provided. Collection method: clinical testing. Allele origin: germline. Affected: yes. Study: VKGL Data-share Consensus. Not counted in ClinVar's aggregate classification.